The following is an entry in ClinVar:

ClinVar aggregate classification (germline): Conflicting classifications of pathogenicity. Review status: criteria provided, conflicting classifications (1 of 4 stars). 10 submissions from 10 submitters: Likely pathogenic (1); Uncertain significance (7). 2 of the submissions do not count toward it. Last evaluated 2025-11-02.

Conditions:
Cardiovascular phenotype. Identifiers: MedGen CN230736.
Cardiac arrhythmia. Also called: Arrhythmia; Cardiac rhythm disease. Identifiers: MedGen C0003811, MONDO:0007263, HP:0011675.
Familial long QT syndrome (RWS). Also called: Congenital long QT syndrome; Romano-Ward syndrome; VENTRICULAR FIBRILLATION WITH PROLONGED QT INTERVAL. Identifiers: Orphanet 768, MedGen C1141890, MONDO:0019171.
Atrial fibrillation, familial, 3 (ATFB3). Identifiers: MedGen C1837014, MONDO:0011857, OMIM 607554.
Long QT syndrome 1 (LQT1). Identifiers: Orphanet 101016, Orphanet 768, MedGen C4551647, MONDO:0100316, OMIM 192500, MONDO:0008646.
Beckwith-Wiedemann syndrome (BWS). Also called: Exomphalos macroglossia gigantism syndrome; EMG SYNDROME. Identifiers: Orphanet 116, MedGen C0004903, MONDO:0007534, OMIM 130650.
Jervell and Lange-Nielsen syndrome 1 (JLNS1). Also called: CARDIOAUDITORY SYNDROME OF JERVELL AND LANGE-NIELSEN; DEAFNESS, CONGENITAL, AND FUNCTIONAL HEART DISEASE; PROLONGED QT INTERVAL IN EKG AND SUDDEN DEATH; SURDO-CARDIAC SYNDROME. Identifiers: Orphanet 768, Orphanet 90647, MedGen C4551509, MONDO:0024540, OMIM 220400.
Short QT syndrome type 2. Identifiers: Orphanet 51083, MedGen C1865019, MONDO:0012313, OMIM 609621.
Long QT syndrome (LQTS). Identifiers: MedGen C0023976, MeSH D008133, MONDO:0002442. Disease mechanism: loss of function. Inheritance: Various modes of inheritance.

Allele frequency attached by ClinVar (database versions not stated): ESP Exome Variant Server 0.00015; gnomAD 0.00005; ExAC 0.00002; gnomAD exomes 0.00003 and 0.00014; TOPMed 0.00004.

Submissions 1 to 6 of 10:

Labcorp Genetics (formerly Invitae), Labcorp
Classification: Uncertain significance for Long QT syndrome. Last evaluated: 2025-11-02. Review status: criteria provided, single submitter. Criteria: Invitae Variant Classification Sherloc (09022015). Collection method: clinical testing. Allele origin: germline.
Comment: This sequence change replaces arginine, which is basic and polar, with glutamine, which is neutral and polar, at codon 518 of the KCNQ1 protein (p.Arg518Gln). This variant is present in population databases (rs145974930, gnomAD 0.005%). This missense change has been observed in individual(s) with sudden infant death syndrome and in individuals with QT intervals in the normal range (PMID: 26159999, 29544605). ClinVar contains an entry for this variant (Variation ID: 67036). Invitae Evidence Modeling of protein sequence and biophysical properties (such as structural, functional, and spatial information, amino acid conservation, physicochemical variation, residue mobility, and thermodynamic stability) has been performed for this missense variant. However, the output from this modeling did not meet the statistical confidence thresholds required to predict the impact of this variant on KCNQ1 protein function. Experimental studies have shown that this missense change does not substantially affect KCNQ1 function (PMID: 26546361). This variant disrupts the p.Arg518 amino acid residue in KCNQ1. Other variant(s) that disrupt this residue have been determined to be pathogenic (PMID: 16414944, 21511995, 24363352; internal data). This suggests that this residue is clinically significant, and that variants that disrupt this residue are likely to be disease-causing. In summary, the available evidence is currently insufficient to determine the role of this variant in disease. Therefore, it has been classified as a Variant of Uncertain Significance.

Laboratory of Genetics, Children's Clinical University Hospital Latvia
Classification: Likely pathogenic. Last evaluated: 2025-02-16. Review status: criteria provided, single submitter. Criteria: ACMG Guidelines, 2015. Collection method: clinical testing. Allele origin: germline. Affected: yes.

GeneDx
Classification: Uncertain significance. Last evaluated: 2024-07-10. Review status: criteria provided, single submitter. Criteria: GeneDx Variant Classification Process June 2021. Collection method: clinical testing. Allele origin: germline. Affected: yes.
Comment: Observed in individuals with Long QT syndrome and sudden infant death syndrome in the published literature (Kapplinger et al., 2009; Ghouse et al., 2015; Tester et al., 2018); Published functional studies demonstrate the R518Q variant retains function and have suggested this is a benign variant (Slaats et al., 2015); In silico analysis supports that this missense variant has a deleterious effect on protein structure/function; This variant is associated with the following publications: (PMID: 22581653, 25637381, 25854863, 26159999, 32048431, 29544605, 19716085, 31994352, Rida2023[review], 26546361, 26318259, 34333030, 31696929, 38014677)

Color Diagnostics, LLC DBA Color Health
Classification: Uncertain significance for Cardiac arrhythmia. Last evaluated: 2023-12-06. Review status: criteria provided, single submitter. Criteria: ACMG Guidelines, 2015. Collection method: clinical testing. Allele origin: germline.
Comment: This missense variant replaces arginine with glutamine at codon 518 of the KCNQ1 protein. Computational prediction tools indicate that this variant has a deleterious impact on protein structure and function. This variant is found within a highly conserved C-terminus region (a.a. 509-575). Rare non-truncating variants in this region have been shown to be significantly overrepresented in individuals with long QT syndrome (PMID: 32893267). Functional studies have shown that this variant does not affect the ability of KCNQ1 protein to regulate renal ciliogenesis (PMID: 19716085, 26546361). This variant has been reported in an individual affected with sudden infant death syndrome (PMID: 29544605) and in several individuals referred for long QT syndrome genetic testing (PMID: 19716085, 26159999). Mean QTc interval of the carriers was not significantly different from that of non-carriers (PMID: 26159999). This variant has also been reported in one individual affected with cardiac arrest; however, the sibling who also carried the variant was asymptomatic (PMID: 31994352). This variant has been identified in 9/282772 chromosomes in the general population by the Genome Aggregation Database (gnomAD). The available evidence is insufficient to determine the role of this variant in disease conclusively. Therefore, this variant is classified as a Variant of Uncertain Significance.

All of Us Research Program, National Institutes of Health
Classification: Uncertain significance for Long QT syndrome. Last evaluated: 2023-12-01. Review status: criteria provided, single submitter. Criteria: ACMG Guidelines, 2015. Collection method: clinical testing. Allele origin: germline. Inheritance: Autosomal dominant inheritance. Observed: 11 variant alleles, 11 heterozygotes.
Comment: This missense variant replaces arginine with glutamine at codon 518 of the KCNQ1 protein. Computational prediction suggests that this variant may have deleterious impact on protein structure and function (internally defined REVEL score threshold >= 0.7, PMID: 27666373). Functional studies have shown that this variant does not affect the ability of KCNQ1 protein to regulate renal ciliogenesis (PMID: 19716085, 26546361). This variant has been reported in an individual affected with sudden infant death syndrome (PMID: 29544605) and in several individuals referred for long QT syndrome genetic testing (PMID: 19716085, 26159999). Mean QTc interval of the carriers was not significantly different from that of non-carriers (PMID: 26159999). This variant has also been reported in one individual affected with cardiac arrest; however, the sibling who also carried the variant was asymptomatic (PMID: 31994352). This variant has been identified in 9/282772 chromosomes in the general population by the Genome Aggregation Database (gnomAD). The available evidence is insufficient to determine the role of this variant in disease conclusively. Therefore, this variant is classified as a Variant of Uncertain Significance.

This study involves interpretation of variants in research participants for the purpose of population health screening. Participant phenotype was not available at the time of variant classification. Additional details can be found in publication PMID: 35346344, PMCID: PMC8962531

Ambry Genetics
Classification: Uncertain significance for Cardiovascular phenotype. Last evaluated: 2022-12-01. Review status: criteria provided, single submitter. Criteria: Ambry Variant Classification Scheme 2023. Collection method: clinical testing. Allele origin: germline.

NM_000218.3(KCNQ1):c.1553G>A (p.Arg518Gln)

Gene: KCNQ1 (potassium voltage-gated channel subfamily Q member 1; plus strand). Cytogenetic location: 11p15.5.
Variant type: single nucleotide variant.
Coding change: c.1553G>A on transcript NM_000218.3 (MANE Select); coding-DNA position 1553, G replaced by A.
Protein change: p.Arg518Gln; replaces arginine 518 with glutamine.
Molecular consequence: missense variant.
Genome position (GRCh38, 1-based): chr11:2,768,882, G>A. VCF-style: chr11-2768882-G-A. GRCh37 (hg19) VCF-style: chr11-2790112-G-A.
Other names: c.1553G>A (LRG_287t1); c.1457G>A, p.Arg486Gln (NM_001406836.1); c.1283G>A, p.Arg428Gln (NM_001406837.1); c.1013G>A, p.Arg338Gln (NM_001406838.1); c.1172G>A, p.Arg391Gln (NM_181798.2); short protein forms R518Q, R391Q, R338Q, R428Q, R486Q.
Identifiers: ClinVar variation 67036 (VCV000067036.27), dbSNP rs145974930, ClinGen allele CA005903.
Genomic context (GRCh38, chr11:2,768,882, plus strand): 5'-TCCTCTCCTCTCTCCACTGCAGGCTGCGGGAACACCATCGGGCCACCATTAAGGTCATTC[G>A]ACGCATGCAGTACTTTGTGGCCAAGAAGAAATTCCAGGTAAGCCCTGTGCTGAGCCTTCC-3'
Protein context (NP_000209.2, residues 508-528): EHHRATIKVI[Arg518Gln]RMQYFVAKKK